The following is an entry in ClinVar:

ClinVar aggregate classification (germline): Uncertain significance (1 of 4 stars; one submission).

Submission:

GeneDx
Classification: Uncertain significance. Last evaluated: 2026-02-20. Review status: criteria provided, single submitter. Criteria: GeneDx Variant Classification Process June 2021. Collection method: clinical testing. Allele origin: germline.
Comment: Not observed at significant frequency in large population cohorts (gnomAD); In-frame deletion of 4 amino acids in a non-repeat region; In silico analysis supports a deleterious effect on protein structure/function; Has not been previously published as pathogenic or benign to our knowledge

NM_000222.3(KIT):c.716_727del (p.Ser239_Val242del)

Gene: KIT (KIT proto-oncogene, receptor tyrosine kinase; plus strand). Cytogenetic location: 4q12.
Variant type: Deletion.
Coding change: c.716_727del on transcript NM_000222.3 (MANE Select); coding-DNA positions 716 to 727, 12 bases deleted (CTAGTTCTGTGT).
Protein change: p.Ser239_Val242del.
Molecular consequence: inframe deletion. On other transcripts: inframe indel (1).
Genome position (GRCh38, 1-based): chr4:54,699,726-54,699,737, CTAGTTCTGTGT deleted; deleting any 12 consecutive bases within chr4:54,699,721-54,699,737 gives the same sequence; the c. name uses the placement nearest the transcript's 3' end. VCF-style (leftmost placement, unchanged base first): chr4-54699720-ATGTGTCTAGTTC-A. GRCh37 (hg19) VCF-style: chr4-55565886-ATGTGTCTAGTTC-A.
Other names: c.716_727delCTAGTTCTGTGT, p.Ser239_Val242del (NM_000222.2); c.716_727del, p.Ser239_Val242del (NM_001093772.2, NM_001385284.1, NM_001385285.1 and 4 more transcripts).
Identifiers: ClinVar variation 2580477 (VCV002580477.2), dbSNP rs2475457166, ClinGen allele CA2580618173.